The following is an entry in ClinVar:

NM_000492.4(CFTR):c.2351_2391del (p.His784fs)

Gene: CFTR (CF transmembrane conductance regulator; plus strand). Cytogenetic location: 7q31.2.
Variant type: Deletion.
Coding change: c.2351_2391del on transcript NM_000492.4 (MANE Select); coding-DNA positions 2351 to 2391, 41 bases deleted.
Protein change: p.His784fs; shifts the reading frame from histidine 784.
Molecular consequence: frameshift variant.
Genome position (GRCh38, 1-based): chr7:117,592,518-117,592,558, 41 bases deleted; deleting any 41 consecutive bases within chr7:117,592,517-117,592,558 gives the same sequence; the c. name uses the placement nearest the transcript's 3' end. GRCh37 (hg19): chr7:117,232,572-117,232,612.
Other names: c.2351_2391del41, p.His784Profs (NM_000492.3); short protein forms H784fs.
Identifiers: ClinVar variation 4064569 (VCV004064569.2).
Genomic context (GRCh38, chr7:117,592,516, plus strand): 5'-ACGAAGGAGGCAGTCTGTCCTGAACCTGATGACACACTCAGTTAACCAAGGTCAGAACAT[TCACCGAAAGACAACAGCATCCACACGAAAAGTGTCACTGGC>T]CCCTCAGGCAAACTTGACTGAACTGGATATATATTCAAGAAGGTTATCTCAAGAAACTGG-3'

ClinVar aggregate classification (germline): Likely pathogenic (1 of 4 stars; one submission).

Conditions:
CFTR-related disorder (CFTR-RD). Also called: CFTR-related disorders; CFTR-related condition. Identifiers: MedGen C5924204, MONDO:7770004.

Submission:

Natera, Inc.
Classification: Likely pathogenic for CFTR-related disorders. Last evaluated: 2025-03-04. Review status: criteria provided, single submitter. Criteria: Natera Variant Classification Schema (03/2026). Collection method: clinical testing. Allele origin: germline.
Comment: The c.2351_2391del variant in CFTR is a frameshift variant predicted to shift the reading frame beginning at codon 784 and leads to a stop codon 7 codons downstream. This variant is expected to result in nonsense mediated decay, truncation, or a dysfunctional protein product. This variant is rare in the general population with a frequency below the threshold expected for the associated phenotype(s). Given the available evidence, this variant is classified as Likely Pathogenic.